The following is an entry in ClinVar:

ClinVar aggregate classification (germline): Uncertain significance. Review status: criteria provided, multiple submitters, no conflicts (2 of 4 stars). 5 submissions from 5 submitters: Uncertain significance (4). 1 of the submissions does not count toward it. Last evaluated 2025-04-26.

Conditions:
Nephronophthisis. Also called: Juvenile Nephronophthisis. Identifiers: Orphanet 655, MedGen C0687120, MONDO:0019005, HP:0000090.
Meckel-Gruber syndrome. Also called: GRUBER SYNDROME; Dysencephalia splachnocystica; DYSENCEPHALIA SPLANCHNOCYSTICA. Identifiers: Orphanet 564, MedGen C0265215, MONDO:0018921.
Joubert syndrome. Also called: Familial aplasia of the vermis; JOUBERT-BOLTSHAUSER SYNDROME. Identifiers: Orphanet 475, MedGen C5979921, MONDO:0018772.
Bardet-Biedl syndrome 14 (BBS14). Identifiers: Orphanet 110, MedGen C2673874, MONDO:0014442, OMIM 615991.
Joubert syndrome 5 (JBTS5). Identifiers: Orphanet 2318, MedGen C1857780, MONDO:0012432, OMIM 610188.
Senior-Loken syndrome 6 (SLSN6). Identifiers: Orphanet 3156, MedGen C1857779, MONDO:0012433, OMIM 610189.
Meckel syndrome, type 4 (MKS4). Also called: MECKEL-GRUBER SYNDROME, TYPE 4. Identifiers: Orphanet 564, MedGen C1970161, MONDO:0012626, OMIM 611134.
Leber congenital amaurosis 10 (LCA10). Identifiers: Orphanet 65, MedGen C1857821, MONDO:0012723, OMIM 611755.
CEP290-related disorder. Also called: CEP290-related condition; CEP290-related disorders. Identifiers: MedGen CN239314.
Inborn genetic diseases. Identifiers: MedGen C0950123, MeSH D030342.
Leber congenital amaurosis (LCA). Also called: Leber's amaurosis. Identifiers: Orphanet 65, MedGen C0339527, MeSH D057130, MONDO:0018998.

Allele frequency attached by ClinVar (database versions not stated): gnomAD exomes 0.00001; gnomAD 0.00003 and 0.00004; TOPMed 0.00004.
gnomAD v4.1: 69 of 1,554,680 alleles (0.0044%); highest among the groups gnomAD compares: Non-Finnish European, 0.006%; no homozygotes.

Submissions (5):

PreventionGenetics, part of Exact Sciences
Classification: Uncertain significance for CEP290-related condition. Last evaluated: 2025-04-26. Review status: criteria provided, single submitter. Criteria: ACMG Guidelines, 2015. Collection method: clinical testing. Allele origin: germline.
Comment: The CEP290 c.7079A>C variant is predicted to result in the amino acid substitution p.His2360Pro. To our knowledge, this variant has not been reported in the literature. This variant is reported in 0.0045% of alleles in individuals of European (Non-Finnish) descent in gnomAD. At this time, the clinical significance of this variant is uncertain due to the absence of conclusive functional and genetic evidence.

Fulgent Genetics
Classification: Uncertain significance for Joubert syndrome 5; Senior-Loken syndrome 6; Meckel syndrome, type 4; Leber congenital amaurosis 10; Bardet-Biedl syndrome 14. Last evaluated: 2024-02-27. Review status: criteria provided, single submitter. Criteria: ACMG Guidelines, 2015. Collection method: clinical testing. Allele origin: germline.

Ambry Genetics
Classification: Uncertain significance for Inborn genetic diseases. Last evaluated: 2023-12-15. Review status: criteria provided, single submitter. Criteria: Ambry Variant Classification Scheme 2023. Collection method: clinical testing. Allele origin: germline.

Labcorp Genetics (formerly Invitae), Labcorp
Classification: Uncertain significance for Joubert syndrome; Meckel-Gruber syndrome; Nephronophthisis. Last evaluated: 2021-08-30. Review status: criteria provided, single submitter. Criteria: Invitae Variant Classification Sherloc (09022015). Collection method: clinical testing. Allele origin: germline.
Comment: This sequence change replaces histidine with proline at codon 2360 of the CEP290 protein (p.His2360Pro). The histidine residue is moderately conserved and there is a moderate physicochemical difference between histidine and proline. This variant is not present in population databases (ExAC no frequency). This variant has not been reported in the literature in individuals affected with CEP290-related conditions. Algorithms developed to predict the effect of missense changes on protein structure and function are either unavailable or do not agree on the potential impact of this missense change (SIFT: "Deleterious"; PolyPhen-2: "Benign"; Align-GVGD: "Class C0"). In summary, the available evidence is currently insufficient to determine the role of this variant in disease. Therefore, it has been classified as a Variant of Uncertain Significance.

Natera, Inc.
Classification: Uncertain significance for Leber congenital amaurosis. Last evaluated: 2021-06-25. Review status: no assertion criteria provided. Collection method: clinical testing. Allele origin: germline. Not counted in ClinVar's aggregate classification.

NM_025114.4(CEP290):c.7079A>C (p.His2360Pro)

Gene: CEP290 (centrosomal protein 290; minus strand). Cytogenetic location: 12q21.32.
Variant type: single nucleotide variant.
Coding change: c.7079A>C on transcript NM_025114.4 (MANE Select); coding-DNA position 7079, A replaced by C.
Protein change: p.His2360Pro; replaces histidine 2360 with proline.
Molecular consequence: missense variant.
Genome position (GRCh38, 1-based): chr12:88,053,702, T>G on the plus strand (A>C on the coding strand, the complement: CEP290 is on the minus strand). VCF-style: chr12-88053702-T-G. GRCh37 (hg19) VCF-style: chr12-88447479-T-G.
Other names: short protein forms H2360P.
Identifiers: ClinVar variation 959307 (VCV000959307.7), dbSNP rs1006780282, ClinGen allele CA241147107.